The following is an entry in ClinVar:

ClinVar aggregate classification (germline): Uncertain significance (1 of 4 stars; one submission).

Submission:

Dasa
Classification: Uncertain significance. Last evaluated: 2025-02-07. Review status: criteria provided, single submitter. Criteria: DASA Assertion Criteria. Collection method: clinical testing. Allele origin: germline.
Comment: NM_001366145.2(TRPM3):c.1582-8G>C is a splice-region variant. This variant is absent from population databases. Computational prediction algorithms are consistent with a benign effect. The currently available literature and clinical evidence are not sufficient to establish a definitive association between this variant and the reported condition. Therefore, this variant is classified as a variant of uncertain significance.

NM_001366145.2(TRPM3):c.1582-8G>C

Gene: TRPM3 (transient receptor potential cation channel subfamily M member 3; minus strand). Cytogenetic location: 9q21.12.
Variant type: single nucleotide variant.
Coding change: c.1582-8G>C on transcript NM_001366145.2 (MANE Select); 8 bases into the intron before coding-DNA position 1582, G replaced by C.
Molecular consequence: intron variant.
Genome position (GRCh38, 1-based): chr9:70,635,269, C>G on the plus strand (G>C on the coding strand, the complement: TRPM3 is on the minus strand). VCF-style: chr9-70635269-C-G. GRCh37 (hg19) VCF-style: chr9-73250185-C-G.
Other names: c.1588-8G>C (NM_001366143.2, NM_001366141.2, NM_001366142.2); c.1582-8G>C (NM_001366150.2, NM_001366151.2, NM_001007471.4 and 2 more transcripts); c.1657-8G>C (NM_001366148.2, NM_001366152.2, NM_001366147.2); c.1123-8G>C (NM_206944.5, NM_020952.6, NM_206945.5 and 2 more transcripts); c.1198-8G>C (NM_206947.5, NM_206946.5).
Identifiers: ClinVar variation 4881468 (VCV004881468.2).